The following is an entry in ClinVar:

NM_006059.4(LAMC3):c.4361T>A (p.Leu1454Gln)

Gene: LAMC3 (laminin subunit gamma 3; plus strand). Cytogenetic location: 9q34.12.
Variant type: single nucleotide variant.
Coding change: c.4361T>A on transcript NM_006059.4 (MANE Select); coding-DNA position 4361, T replaced by A.
Protein change: p.Leu1454Gln; replaces leucine 1454 with glutamine.
Molecular consequence: missense variant.
Genome position (GRCh38, 1-based): chr9:131,087,606, T>A. VCF-style: chr9-131087606-T-A. GRCh37 (hg19) VCF-style: chr9-133962993-T-A.
Other names: short protein forms L1454Q.
Identifiers: ClinVar variation 2099553 (VCV002099553.4), dbSNP rs2538328617, ClinGen allele CA375265682.

ClinVar aggregate classification (germline): Uncertain significance (1 of 4 stars; one submission).

Submission:

Labcorp Genetics (formerly Invitae), Labcorp
Classification: Uncertain significance. Last evaluated: 2024-04-29. Review status: criteria provided, single submitter. Criteria: Invitae Variant Classification Sherloc (09022015). Collection method: clinical testing. Allele origin: germline.
Comment: This sequence change replaces leucine, which is neutral and non-polar, with glutamine, which is neutral and polar, at codon 1454 of the LAMC3 protein (p.Leu1454Gln). This variant is not present in population databases (gnomAD no frequency). This variant has not been reported in the literature in individuals affected with LAMC3-related conditions. ClinVar contains an entry for this variant (Variation ID: 2099553). An algorithm developed to predict the effect of missense changes on protein structure and function (PolyPhen-2) suggests that this variant is likely to be tolerated. In summary, the available evidence is currently insufficient to determine the role of this variant in disease. Therefore, it has been classified as a Variant of Uncertain Significance.